The following is an entry in ClinVar:

NM_001374828.1(ARID1B):c.5827C>T (p.Gln1943Ter)

Gene: ARID1B (AT-rich interaction domain 1B; plus strand). Cytogenetic location: 6q25.3.
Variant type: single nucleotide variant.
Coding change: c.5827C>T on transcript NM_001374828.1 (MANE Select); coding-DNA position 5827, C replaced by T.
Protein change: p.Gln1943Ter; replaces glutamine 1943 with a stop codon.
Molecular consequence: nonsense.
Genome position (GRCh38, 1-based): chr6:157,206,599, C>T. VCF-style: chr6-157206599-C-T. GRCh37 (hg19) VCF-style: chr6-157527733-C-T.
Other names: c.3328C>T, p.Gln1110Ter (NM_001363725.2); c.5707C>T, p.Gln1903Ter (NM_001371656.1, NM_001374820.1); c.5668C>T, p.Gln1890Ter (NM_017519.3); c.5458C>T (NM_020732.3); short protein forms Q1110*, Q1890*, Q1903*, Q1943*.
Identifiers: ClinVar variation 1184906 (VCV001184906.3), dbSNP rs1554237342, ClinGen allele CA366246940.

ClinVar aggregate classification (germline): Pathogenic. Review status: criteria provided, multiple submitters, no conflicts (2 of 4 stars). 2 submissions from 2 submitters: Pathogenic (2). Last evaluated 2024-10-02.

Submissions (2):

GeneDx
Classification: Pathogenic. Last evaluated: 2024-10-02. Review status: criteria provided, single submitter. Criteria: GeneDx Variant Classification Process June 2021. Collection method: clinical testing. Allele origin: germline. Affected: yes.
Comment: Observed in an individual with a neurodevelopmental disorder in published literature, but additional clinical information was not included (PMID: 37500730); Nonsense variant predicted to result in protein truncation, as the last 430 amino acid(s) are lost, and other loss-of-function variants have been reported downstream in HGMD; Not observed at significant frequency in large population cohorts (gnomAD); This variant is associated with the following publications: (PMID: 37500730)

Institute of Medical Genetics and Applied Genomics, University Hospital Tübingen
Classification: Pathogenic. Last evaluated: 2021-06-17. Review status: criteria provided, single submitter. Criteria: ACMG Guidelines, 2015. Collection method: clinical testing. Allele origin: germline. Inheritance: Autosomal dominant inheritance. Affected: yes.